The following is an entry in ClinVar:

ClinVar aggregate classification (germline): Uncertain significance (1 of 4 stars; one submission).

Conditions:
Propionic acidemia (PROP). Also called: GLYCINEMIA, KETOTIC; HYPERGLYCINEMIA WITH KETOACIDOSIS AND LEUKOPENIA; KETOTIC HYPERGLYCINEMIA. Identifiers: Orphanet 35, MedGen C0268579, MONDO:0011628, OMIM 606054, HP:0003571.

gnomAD v4.1: 10 of 1,607,286 alleles (0.00062%); highest among the groups gnomAD compares: Non-Finnish European, 0.00077%; no homozygotes.

Submission:

Labcorp Genetics (formerly Invitae), Labcorp
Classification: Uncertain significance for Propionic acidemia. Last evaluated: 2025-08-15. Review status: criteria provided, single submitter. Criteria: Invitae Variant Classification Sherloc (09022015). Collection method: clinical testing. Allele origin: germline.
Comment: This sequence change replaces aspartic acid, which is acidic and polar, with tyrosine, which is neutral and polar, at codon 506 of the PCCA protein (p.Asp506Tyr). This variant is not present in population databases (gnomAD no frequency). This variant has not been reported in the literature in individuals affected with PCCA-related conditions. ClinVar contains an entry for this variant (Variation ID: 1953524). Invitae Evidence Modeling of protein sequence and biophysical properties (such as structural, functional, and spatial information, amino acid conservation, physicochemical variation, residue mobility, and thermodynamic stability) has been performed for this missense variant. However, the output from this modeling did not meet the statistical confidence thresholds required to predict the impact of this variant on PCCA protein function. In summary, the available evidence is currently insufficient to determine the role of this variant in disease. Therefore, it has been classified as a Variant of Uncertain Significance.

NM_000282.4(PCCA):c.1516G>T (p.Asp506Tyr)

Gene: PCCA (propionyl-CoA carboxylase subunit alpha; plus strand). Cytogenetic location: 13q32.3.
Variant type: single nucleotide variant.
Coding change: c.1516G>T on transcript NM_000282.4 (MANE Select); coding-DNA position 1516, G replaced by T.
Protein change: p.Asp506Tyr; replaces aspartic acid 506 with tyrosine.
Molecular consequence: missense variant. On other transcripts: non-coding transcript variant (5).
Genome position (GRCh38, 1-based): chr13:100,330,647, G>T. VCF-style: chr13-100330647-G-T. GRCh37 (hg19) VCF-style: chr13-100982901-G-T.
Other names: c.1438G>T, p.Asp480Tyr (NM_001127692.3, NM_001352607.2); c.1516G>T, p.Asp506Tyr (NM_001178004.2, NM_001352605.2, NM_001352609.2); c.1372G>T, p.Asp458Tyr (NM_001352606.2); c.1294G>T, p.Asp432Tyr (NM_001352608.2); c.571G>T, p.Asp191Tyr (NM_001352610.2, NM_001352611.2); c.427G>T, p.Asp143Tyr (NM_001352612.2); short protein forms D143Y, D458Y, D480Y, D191Y, D506Y, D432Y.
Identifiers: ClinVar variation 1953524 (VCV001953524.3), dbSNP rs1286300208, ClinGen allele CA388696227.